The following is an entry in ClinVar:

NM_001374736.1(DST):c.22312C>A (p.Leu7438Ile)

Gene: DST (dystonin; minus strand). Cytogenetic location: 6p12.1.
Variant type: single nucleotide variant.
Coding change: c.22312C>A on transcript NM_001374736.1 (MANE Select); coding-DNA position 22312, C replaced by A.
Protein change: p.Leu7438Ile; replaces leucine 7438 with isoleucine.
Molecular consequence: missense variant.
Genome position (GRCh38, 1-based): chr6:56,471,115, G>T on the plus strand (C>A on the coding strand, the complement: DST is on the minus strand). VCF-style: chr6-56471115-G-T. GRCh37 (hg19) VCF-style: chr6-56335913-G-T.
Other names: c.15955C>A, p.Leu5319Ile (NM_001144769.5); c.15541C>A, p.Leu5181Ile (NM_001144770.2); c.22312C>A, p.Leu7438Ile (NM_001374722.1); c.21352C>A, p.Leu7118Ile (NM_001374729.1); c.15094C>A, p.Leu5032Ile (NM_001374730.1); c.22339C>A, p.Leu7447Ile (NM_001374734.1); c.15421C>A, p.Leu5141Ile (NM_001386100.1, NM_183380.4); c.14443C>A, p.Leu4815Ile (NM_015548.5); short protein forms L4815I, L5032I, L7447I, L5141I, L7118I, L7438I, L5181I, L5319I.
Identifiers: ClinVar variation 1386788 (VCV001386788.6), dbSNP rs2094871240, ClinGen allele CA364507223.

ClinVar aggregate classification (germline): Uncertain significance (1 of 4 stars; one submission).

Conditions:
Hereditary sensory and autonomic neuropathy type 6. Also called: HSAN VI; Neuropathy, hereditary sensory and autonomic, type VI. Identifiers: Orphanet 314381, MedGen C3539003, MONDO:0013839, OMIM 614653.
Epidermolysis bullosa simplex 3, localized or generalized intermediate, with BP230 deficiency (EBS3). Also called: Epidermolysis bullosa simplex due to BP230 deficiency; Epidermolysis bullosa simplex, autosomal recessive 2. Identifiers: Orphanet 412181, MedGen C3809470, MONDO:0014180, OMIM 615425.

Allele frequency attached by ClinVar (database versions not stated): TOPMed below 0.00001.

Submission:

Labcorp Genetics (formerly Invitae), Labcorp
Classification: Uncertain significance for Epidermolysis bullosa simplex 3, localized or generalized intermediate, with BP230 deficiency; Hereditary sensory and autonomic neuropathy type 6. Last evaluated: 2021-11-11. Review status: criteria provided, single submitter. Criteria: Invitae Variant Classification Sherloc (09022015). Collection method: clinical testing. Allele origin: germline.
Comment: In summary, the available evidence is currently insufficient to determine the role of this variant in disease. Therefore, it has been classified as a Variant of Uncertain Significance. Experimental studies and prediction algorithms are not available or were not evaluated, and the functional significance of this variant is currently unknown. This variant has not been reported in the literature in individuals affected with DST-related conditions. This variant is not present in population databases (gnomAD no frequency). This sequence change replaces leucine, which is neutral and non-polar, with isoleucine, which is neutral and non-polar, at codon 4815 of the DST protein (p.Leu4815Ile). The DST gene has multiple clinically relevant transcripts. This variant occurs in alternate transcript NM_015548.4, and corresponds to NM_001723.5:c.*144402C>A in the primary transcript.